The following is an entry in ClinVar:

NM_005476.7(GNE):c.80C>T (p.Pro27Leu)

Gene: GNE (glucosamine (UDP-N-acetyl)-2-epimerase/N-acetylmannosamine kinase; minus strand). Cytogenetic location: 9p13.3.
Variant type: single nucleotide variant.
Coding change: c.80C>T on transcript NM_005476.7 (MANE Select); coding-DNA position 80, C replaced by T.
Protein change: p.Pro27Leu; replaces proline 27 with leucine.
Molecular consequence: missense variant. On other transcripts: intron variant (3).
Genome position (GRCh38, 1-based): chr9:36,249,276, G>A on the plus strand (C>T on the coding strand, the complement: GNE is on the minus strand). VCF-style: chr9-36249276-G-A. GRCh37 (hg19) VCF-style: chr9-36249273-G-A.
Other names: c.173C>T, p.Pro58Leu (NM_001128227.3); c.80C>T, p.Pro27Leu (NM_001190383.3, NM_001374797.1); c.-13-2794C>T (NM_001190388.2, NM_001190384.3, NM_001374798.1); short protein forms P58L, P27L.
Identifiers: ClinVar variation 551266 (VCV000551266.22), dbSNP rs1236647498, ClinGen allele CA373421895.

ClinVar aggregate classification (germline): Pathogenic/Likely pathogenic. Review status: criteria provided, multiple submitters, no conflicts (2 of 4 stars). 7 submissions from 7 submitters: Pathogenic (5); Likely pathogenic (1). 1 of the submissions does not count toward it. Last evaluated 2026-01-09.

Conditions:
GNE myopathy (NM). Also called: IBM 2; Inclusion body myopathy autosomal recessive; Inclusion body myopathy quadriceps sparing; NONAKA DISTAL MYOPATHY; INCLUSION BODY MYOPATHY, HEREDITARY, AUTOSOMAL RECESSIVE; INCLUSION BODY MYOPATHY 2, AUTOSOMAL RECESSIVE. Identifiers: Orphanet 602, MedGen C1853926, MONDO:0011603, OMIM 605820.
Sialuria. Also called: SIALURIA, FRENCH TYPE; Sialic Acid Storage Disease. Identifiers: Orphanet 3166, MedGen C0342853, MONDO:0010028, OMIM 269921.
Thrombocytopenia 12 with or without myopathy (THC12). Identifiers: MedGen C5935593, MONDO:0958325, OMIM 620757.

Allele frequency attached by ClinVar (database versions not stated): gnomAD exomes below 0.00001; gnomAD 0.00003.
gnomAD v4.1: 5 of 1,614,038 alleles (0.00031%); highest among the groups gnomAD compares: Non-Finnish European, 0.00042%; no homozygotes.

Submissions (7):

Labcorp Genetics (formerly Invitae), Labcorp
Classification: Pathogenic for Sialuria; GNE myopathy. Last evaluated: 2026-01-09. Review status: criteria provided, single submitter. Criteria: Invitae Variant Classification Sherloc (09022015). Collection method: clinical testing. Allele origin: germline.
Comment: This sequence change replaces proline, which is neutral and non-polar, with leucine, which is neutral and non-polar, at codon 58 of the GNE protein (p.Pro58Leu). This variant is present in population databases (no rsID available, gnomAD 0.007%). This missense change has been observed in individuals with autosomal recessive GNE-related myopathy (PMID: 22507750, 24005727, 24027297). ClinVar contains an entry for this variant (Variation ID: 551266). Invitae Evidence Modeling of protein sequence and biophysical properties (such as structural, functional, and spatial information, amino acid conservation, physicochemical variation, residue mobility, and thermodynamic stability) has been performed for this missense variant. However, the output from this modeling did not meet the statistical confidence thresholds required to predict the impact of this variant on GNE protein function. This variant disrupts the p.Pro58 amino acid residue in GNE. Other variant(s) that disrupt this residue have been determined to be pathogenic (PMID: 21708040, 27829678, 28717665). This suggests that this residue is clinically significant, and that variants that disrupt this residue are likely to be disease-causing. For these reasons, this variant has been classified as Pathogenic.

3billion
Classification: Pathogenic for Thrombocytopenia 12 with or without myopathy. Last evaluated: 2025-09-02. Review status: criteria provided, single submitter. Criteria: ACMG Guidelines, 2015. Collection method: clinical testing. Allele origin: germline. Affected: yes.
Comment: The variant is observed at an extremely low frequency in the gnomAD v4.1.0 dataset (total allele frequency: <0.001%). Predicted Consequence/Location: Missense variant In silico tool predictions suggest damaging effect of the variant on gene or gene product [REVEL: 0.86 (>=0.6, sensitivity 0.68 and specificity 0.92)]. The same nucleotide change resulting in the same amino acid change has been previously reported as pathogenic/likely pathogenic with strong evidence (ClinVar ID: VCV000551266 /PMID: 22507750 /3billion dataset). The variant has been observed in at least two similarly affected unrelated individuals (PMID: 22507750, 24005727). A different missense change at the same codon (p.Pro27Ser) has been reported to be associated with GNE-related disorder (ClinVar ID: VCV000464102 /PMID: 15146476). Therefore, this variant is classified as Pathogenic according to the recommendation of ACMG/AMP guideline.

Natera, Inc.
Classification: Pathogenic for Nonaka myopathy. Last evaluated: 2025-06-26. Review status: criteria provided, single submitter. Criteria: Natera Variant Classification Schema (03/2026). Collection method: clinical testing. Allele origin: germline.
Comment: The c.173C>T variant in GNE is a missense variant predicted to cause substitution of proline to leucine at amino acid 58. This variant is rare in the general population with a frequency below the threshold expected for the associated phenotype(s). This variant has been observed in one or more individuals affected with the associated recessive disease, as either homozygous or compound heterozygous with a second variant (PMID: 27858732, 25986339, 36360228, 24027297). Additionally, this variant has been observed to segregate in affected family members (PMID: 36360228). Computational prediction algorithms indicate this variant is likely to affect gene or protein function. Given the available evidence, this variant is classified as Pathogenic.

Baylor Genetics
Classification: Pathogenic for GNE myopathy. Last evaluated: 2023-12-02. Review status: criteria provided, single submitter. Criteria: ACMG Guidelines, 2015. Collection method: clinical testing. Allele origin: unknown.

Women's Health and Genetics/Laboratory Corporation of America, LabCorp
Classification: Pathogenic for GNE myopathy. Last evaluated: 2023-06-30. Review status: criteria provided, single submitter. Criteria: LabCorp Variant Classification Summary - May 2015. Collection method: clinical testing. Allele origin: germline.
Comment: Variant summary: GNE c.173C>T (p.Pro58Leu) results in a non-conservative amino acid change located in the UDP-N-acetylglucosamine 2-epimerase domain (IPR003331) of the encoded protein sequence. Four of five in-silico tools predict a damaging effect of the variant on protein function. The variant was absent in 251478 control chromosomes (gnomAD v2.1, Exomes dataset). c.173C>T has been reported in the literature in multiple compound heterozygous individuals affected with Inclusion Body Myopathy 2 (e.g., Mori-Yoshimura_2012, Cho_2014, Zhao_2015, Murtazina_2022). These data indicate that the variant is very likely to be associated with disease. The following publications have been ascertained in the context of this evaluation (PMID: 24027297, 22507750, 36360228, 25986339). Four submitters have reported clinical-significance assessments for this variant to ClinVar after 2014. All submitters classified the variant as pathogenic (n = 1) or likely pathogenic (n = 3). Based on the evidence outlined above, the variant was classified as pathogenic.

Revvity Omics, Revvity
Classification: Likely pathogenic. Last evaluated: 2022-06-29. Review status: criteria provided, single submitter. Criteria: ACMG Guidelines, 2015. Collection method: clinical testing. Allele origin: germline.

Counsyl
Classification: Likely pathogenic for GNE myopathy. Last evaluated: 2017-03-28. Review status: no assertion criteria provided. Collection method: clinical testing. Allele origin: unknown. Not counted in ClinVar's aggregate classification.

Literature cited by the submitters: PubMed 22507750 (cited by 3 submitters); PubMed 24005727 (cited by 3 submitters); PubMed 24027297 (cited by 4 submitters); PubMed 21708040 (cited by Labcorp Genetics (formerly Invitae), Labcorp); PubMed 27829678 (cited by Labcorp Genetics (formerly Invitae), Labcorp); PubMed 28717665 (cited by Labcorp Genetics (formerly Invitae), Labcorp); PubMed 15146476 (cited by 3billion); PubMed 27858732 (cited by Natera, Inc. and Counsyl); PubMed 25986339 (cited by 3 submitters); PubMed 36360228 (cited by Natera, Inc. and Women's Health and Genetics/Laboratory Corporation of America, LabCorp).